The following is an entry in ClinVar:

ClinVar aggregate classification (germline): Uncertain significance. Review status: criteria provided, multiple submitters, no conflicts (2 of 4 stars). 3 submissions from 3 submitters: Uncertain significance (3). Last evaluated 2025-01-11.

Conditions:
Dilated cardiomyopathy 1DD (CMD1DD). Identifiers: Orphanet 154, MedGen C2750995, MONDO:0013168, OMIM 613172.
Cardiovascular phenotype. Identifiers: MedGen CN230736.

Allele frequency attached by ClinVar (database versions not stated): TOPMed below 0.00001; gnomAD 0.00001; gnomAD exomes 0.00001; ExAC 0.00010; ESP Exome Variant Server 0.00022.
gnomAD v4.1: 8 of 1,463,906 alleles (0.00055%); highest among the groups gnomAD compares: African/African-American, 0.0014%; no homozygotes.

Submissions (3):

Labcorp Genetics (formerly Invitae), Labcorp
Classification: Uncertain significance for Dilated cardiomyopathy 1DD. Last evaluated: 2025-01-11. Review status: criteria provided, single submitter. Criteria: Invitae Variant Classification Sherloc (09022015). Collection method: clinical testing. Allele origin: germline.
Comment: This sequence change replaces arginine, which is basic and polar, with glycine, which is neutral and non-polar, at codon 833 of the RBM20 protein (p.Arg833Gly). This variant is present in population databases (rs371116877, gnomAD 0.003%). This variant has not been reported in the literature in individuals affected with RBM20-related conditions. ClinVar contains an entry for this variant (Variation ID: 470601). Invitae Evidence Modeling of protein sequence and biophysical properties (such as structural, functional, and spatial information, amino acid conservation, physicochemical variation, residue mobility, and thermodynamic stability) indicates that this missense variant is not expected to disrupt RBM20 protein function with a negative predictive value of 95%. In summary, the available evidence is currently insufficient to determine the role of this variant in disease. Therefore, it has been classified as a Variant of Uncertain Significance.

Ambry Genetics
Classification: Uncertain significance for Cardiovascular phenotype. Last evaluated: 2023-03-07. Review status: criteria provided, single submitter. Criteria: Ambry Variant Classification Scheme 2023. Collection method: clinical testing. Allele origin: germline.
Comment: The p.R833G variant (also known as c.2497A>G), located in coding exon 9 of the RBM20 gene, results from an A to G substitution at nucleotide position 2497. The arginine at codon 833 is replaced by glycine, an amino acid with dissimilar properties. This amino acid position is well conserved in available vertebrate species. In addition, this alteration is predicted to be tolerated by in silico analysis. Since supporting evidence is limited at this time, the clinical significance of this alteration remains unclear.

GeneDx
Classification: Uncertain significance. Last evaluated: 2020-01-10. Review status: criteria provided, single submitter. Criteria: GeneDx Variant Classification Process June 2021. Collection method: clinical testing. Allele origin: germline. Affected: yes.
Comment: Not observed in large population cohorts (Lek et al., 2016); In silico analysis, which includes protein predictors and evolutionary conservation, supports that this variant does not alter protein structure/function; Has not been previously published as pathogenic or benign to our knowledge

NM_001134363.3(RBM20):c.2497A>G (p.Arg833Gly)

Gene: RBM20 (RNA binding motif protein 20; plus strand). Cytogenetic location: 10q25.2.
Variant type: single nucleotide variant.
Coding change: c.2497A>G on transcript NM_001134363.3 (MANE Select); coding-DNA position 2497, A replaced by G.
Protein change: p.Arg833Gly; replaces arginine 833 with glycine.
Molecular consequence: missense variant.
Genome position (GRCh38, 1-based): chr10:110,812,894, A>G. VCF-style: chr10-110812894-A-G. GRCh37 (hg19) VCF-style: chr10-112572652-A-G.
Other names: short protein forms R833G.
Identifiers: ClinVar variation 470601 (VCV000470601.14), dbSNP rs371116877, ClinGen allele CA5688697.
Genomic context (GRCh38, chr10:110,812,894, plus strand): 5'-AGGGCCCCTGAGGGCGCCAAGGCCAAGCAGAATGAGAAAAATAAAACCAAGAGAACTGAT[A>G]GAGACCAAGAAGGAGCTGATGATAGAAAAGAAAACACAATGGCAGAGAATGAGGTAATGA-3'
Protein context (NP_001127835.2, residues 823-843): NEKNKTKRTD[Arg833Gly]DQEGADDRKE